The following is an entry in ClinVar:

ClinVar aggregate classification (germline): Uncertain significance (1 of 4 stars; one submission).

Submission:

Labcorp Genetics (formerly Invitae), Labcorp
Classification: Uncertain significance. Last evaluated: 2022-07-30. Review status: criteria provided, single submitter. Criteria: Invitae Variant Classification Sherloc (09022015). Collection method: clinical testing. Allele origin: germline.
Comment: This sequence change replaces leucine, which is neutral and non-polar, with phenylalanine, which is neutral and non-polar, at codon 316 of the CWC27 protein (p.Leu316Phe). This variant is not present in population databases (gnomAD no frequency). This variant has not been reported in the literature in individuals affected with CWC27-related conditions. Algorithms developed to predict the effect of missense changes on protein structure and function (SIFT, PolyPhen-2, Align-GVGD) all suggest that this variant is likely to be tolerated. In summary, the available evidence is currently insufficient to determine the role of this variant in disease. Therefore, it has been classified as a Variant of Uncertain Significance.

NM_005869.4(CWC27):c.946C>T (p.Leu316Phe)

Gene: CWC27 (CWC27 spliceosome associated cyclophilin; plus strand). Cytogenetic location: 5q12.3.
Variant type: single nucleotide variant.
Coding change: c.946C>T on transcript NM_005869.4 (MANE Select); coding-DNA position 946, C replaced by T.
Protein change: p.Leu316Phe; replaces leucine 316 with phenylalanine.
Molecular consequence: missense variant.
Genome position (GRCh38, 1-based): chr5:64,885,450, C>T. VCF-style: chr5-64885450-C-T. GRCh37 (hg19) VCF-style: chr5-64181277-C-T.
Other names: c.946C>T, p.Leu316Phe (NM_001297644.1, NM_001364478.1); short protein forms L316F.
Identifiers: ClinVar variation 1714387 (VCV001714387.5), dbSNP rs2531413145, ClinGen allele CA359961284.